The following is an entry in ClinVar:

NM_001276345.2(TNNT2):c.842A>T (p.Asn281Ile)

Gene: TNNT2 (troponin T2, cardiac type; minus strand). Cytogenetic location: 1q32.1.
Variant type: single nucleotide variant.
Coding change: c.842A>T on transcript NM_001276345.2 (MANE Select); coding-DNA position 842, A replaced by T.
Protein change: p.Asn281Ile; replaces asparagine 281 with isoleucine.
Molecular consequence: missense variant.
Genome position (GRCh38, 1-based): chr1:201,359,632, T>A on the plus strand (A>T on the coding strand, the complement: TNNT2 is on the minus strand). VCF-style: chr1-201359632-T-A. GRCh37 (hg19) VCF-style: chr1-201328760-T-A.
Other names: c.713A>T, p.Asn238Ile (NM_001276346.2); c.812A>T, p.Asn271Ile (NM_001276347.2, NM_001001430.3); c.833A>T, p.Asn278Ile (NM_000364.4); c.803A>T, p.Asn268Ile (NM_001001431.3); c.794A>T, p.Asn265Ile (NM_001001432.3); c.812A>T (NM_001001430.2); short protein forms N268I, N271I, N278I, N265I, N238I, N281I.
Identifiers: ClinVar variation 217495 (VCV000217495.42), dbSNP rs863225119, ClinGen allele CA090502.
Genomic context (GRCh38, chr1:201,359,632, plus strand): 5'-GGAAGGAGGGGGCAGGGGGAGGGCTAGGCGAGAATGACCTCAGACACTTACACTTTCTGG[T>A]TATCGTTGATCCTGTTTCGGAGAACATTGATCTGCAAGAAAAGTGGGAAGGACAAAGAGC-3'
Protein context (NP_001263274.1, residues 271-291): INVLRNRIND[Asn281Ile]QKVSKTRGKA

ClinVar aggregate classification (germline): Conflicting classifications of pathogenicity. Review status: criteria provided, conflicting classifications (1 of 4 stars). 11 submissions from 11 submitters: Pathogenic (1); Likely pathogenic (7); Uncertain significance (3). Last evaluated 2026-08-21.

Conditions:
Cardiovascular phenotype. Identifiers: MedGen CN230736.
Dilated cardiomyopathy 1D. Identifiers: Orphanet 154, Orphanet 54260, MedGen C1832243, MONDO:0011095, OMIM 601494.
Cardiomyopathy, familial restrictive, 3. Identifiers: Orphanet 75249, MedGen C2676271, MONDO:0012900, OMIM 612422.
Hypertrophic cardiomyopathy 2. Also called: TNNT2-Related Familial Hypertrophic Cardiomyopathy. Identifiers: MedGen C1861864, MONDO:0007266, OMIM 115195.
Cardiomyopathy (CMYO). Also called: Cardiomyopathies. Identifiers: Orphanet 167848, MedGen C0878544, MONDO:0004994, HP:0001638. Inheritance: Various modes of inheritance.

Allele frequency attached by ClinVar (database versions not stated): gnomAD exomes below 0.00001; TOPMed below 0.00001.
gnomAD v4.1: 4 of 1,599,056 alleles (0.00025%); highest among the groups gnomAD compares: Admixed American, 0.0034%; no homozygotes.

Submissions (11):

Ambry Genetics
Classification: Pathogenic for Cardiovascular phenotype. Last evaluated: 2026-08-21. Review status: criteria provided, single submitter. Criteria: Ambry Variant Classification Scheme 2023. Collection method: clinical testing. Allele origin: germline.
Comment: The p.N271I pathogenic mutation (also known as c.812A>T), located in coding exon 14 of the TNNT2 gene, results from an A to T substitution at nucleotide position 812. The asparagine at codon 271 is replaced by isoleucine, an amino acid with dissimilar properties. This variant was identified in one or more individuals with features consistent with TNNT2-related cardiomyopathy and segregated with disease in at least one family (Richard P et al. Circulation, 2003 May;107:2227-32; Gimeno JR et al. Rev Esp Cardiol, 2009 Dec;62:1473-7; Brito D et al. Rev Port Cardiol, 2012 Sep;31:577-87; Lopes LR et al. J Med Genet, 2013 Apr;50:228-39; Larra&ntilde;aga-Moreira JM et al. JACC Heart Fail, 2025 Dec;13:102419; Duarte F et al. Clin Genet, 2025 Apr;107:434-440; Ambry internal data). In an assay testing TNNT2 function, this variant showed a functionally abnormal result (Pettinato AM et al. Circulation. 2020 Dec;142(23):2262-2275). This amino acid position is not well conserved in available vertebrate species. In addition, this alteration is predicted to be tolerated by in silico analysis. This variant is considered to be rare based on population cohorts in the Genome Aggregation Database (gnomAD). Based on the supporting evidence, this variant is interpreted as a disease-causing mutation.

Labcorp Genetics (formerly Invitae), Labcorp
Classification: Likely pathogenic for Cardiomyopathy, familial restrictive, 3; Hypertrophic cardiomyopathy 2; Dilated cardiomyopathy 1D. Last evaluated: 2025-10-21. Review status: criteria provided, single submitter. Criteria: Invitae Variant Classification Sherloc (09022015). Collection method: clinical testing. Allele origin: germline.
Comment: This sequence change replaces asparagine, which is neutral and polar, with isoleucine, which is neutral and non-polar, at codon 271 of the TNNT2 protein (p.Asn271Ile). This variant is not present in population databases (gnomAD no frequency). This missense change has been observed in individuals with hypertrophic cardiomyopathy (PMID: 12707239, 20038417, 22857948, 23396983; internal data). This variant is also known as c.833A>T (p.Asn278Ile). ClinVar contains an entry for this variant (Variation ID: 217495). Invitae Evidence Modeling of protein sequence and biophysical properties (such as structural, functional, and spatial information, amino acid conservation, physicochemical variation, residue mobility, and thermodynamic stability) indicates that this missense variant is not expected to disrupt TNNT2 protein function with a negative predictive value of 80%. Experimental studies have shown that this missense change affects TNNT2 function (PMID: 33025817). In summary, the currently available evidence indicates that the variant is pathogenic, but additional data are needed to prove that conclusively. Therefore, this variant has been classified as Likely Pathogenic.

Variantyx, Inc.
Classification: Likely pathogenic for Hypertrophic cardiomyopathy 2. Last evaluated: 2025-08-13. Review status: criteria provided, single submitter. Criteria: Variantyx Assertion Criteria 2022. Collection method: clinical testing. Allele origin: germline. Inheritance: Autosomal dominant inheritance.
Comment: This is a nonsynonymous variant in the TNNT2 gene (OMIM: 191045). Pathogenic variants in this gene have been associated with autosomal dominant hypertrophic cardiomyopathy 2. This variant has been reported in at least 3 unrelated affected individuals (PMID: 12707239, 22857948, 23396983) (PS4_Moderate) and it has been observed to segregate with disease in at least 2 individuals from one family (PMID: 20038417) (PP1). . Computational algorithms produce conflicting evidence regarding the predicted functional impact of this variant (REVEL score: 0.379), but F\functional studies have shown that this variant alters TNNT2 protein function (PMID: 33025817) (PS3_Moderate). This variant has a 0.0046% maximum allele frequency in non-founder control populations (PM2). Based on the current evidence, this variant is classified as likely pathogenic for autosomal dominant hypertrophic cardiomyopathy 2.

CeGaT Center for Human Genetics Tuebingen
Classification: Likely pathogenic. Last evaluated: 2024-09-01. Review status: criteria provided, single submitter. Criteria: CeGaT Center For Human Genetics Tuebingen Variant Classification Criteria Version 2. Collection method: clinical testing. Allele origin: germline. Affected: yes. Observed: 2 variant alleles.
Comment: TNNT2: PM2, PS4:Moderate, PP1, PS3:Supporting

Women's Health and Genetics/Laboratory Corporation of America, LabCorp
Classification: Uncertain significance. Last evaluated: 2023-08-21. Review status: criteria provided, single submitter. Criteria: LabCorp Variant Classification Summary - May 2015. Collection method: clinical testing. Allele origin: germline.
Comment: Variant summary: TNNT2 c.812A>T (p.Asn271Ile) results in a non-conservative amino acid change in the encoded protein sequence. Three of five in-silico tools predict a damaging effect of the variant on protein function. The variant was absent in 227734 control chromosomes (gnomAD). The available data on variant occurrences in the general population are insufficient to allow any conclusion about variant significance. c.812A>T (also known as N268I) has been reported in the literature in individuals affected with hypertrophic cardiomyopathy and sudden death (examples: Richard_2003, Brito_2012, Lopes_2013, Marsiglia_2013, Halvorsen_2021). These data do not allow any conclusion about variant significance. At least one publication reports experimental evidence evaluating an impact on protein function, however, does not allow convincing conclusions about the variant effect (example: Pettinato_2020). The following publications have been ascertained in the context of this evaluation (PMID: 22857948, 20038417, 34930847, 30297972, 23396983, 24093860, 33025817, 12707239). Five submitters have cited clinical-significance assessments for this variant to ClinVar after 2014 and classified the variant as VUS (n=2) and likely pathogenic (n=3). Based on the evidence outlined above, the variant was classified as uncertain significance.

All of Us Research Program, National Institutes of Health
Classification: Uncertain significance for Cardiomyopathy. Last evaluated: 2023-05-31. Review status: criteria provided, single submitter. Criteria: ACMG Guidelines, 2015. Collection method: clinical testing. Allele origin: germline. Inheritance: Autosomal dominant inheritance. Observed: 3 variant alleles, 3 heterozygotes.
Comment: This missense variant replaces asparagine with isoleucine at codon 271 of the TNNT2 protein. Computational prediction suggests that this variant may not impact protein structure and function (internally defined REVEL score threshold <= 0.5, PMID: 27666373). Functional studies have shown that the variant may alter TNNT2 activity (PMID: 33025817). This variant has been reported in at least 4 individuals affected with hypertrophic cardiomyopathy (PMID: 12707239, 20038417, 22857948, 23396983). One of these individuals also carried a pathogenic variant in the MYH7 gene that could explain the observed phenotype (PMID: 23396983). This variant segregated with disease in multiple individuals in one family (PMID: 22857948). This variant has not been identified in the general population by the Genome Aggregation Database (gnomAD). The available evidence is insufficient to determine the role of this variant in disease conclusively. Therefore, this variant is classified as a Variant of Uncertain Significance.

This study involves interpretation of variants in research participants for the purpose of population health screening. Participant phenotype was not available at the time of variant classification. Additional details can be found in publication PMID: 35346344, PMCID: PMC8962531

CHEO Genetics Diagnostic Laboratory, Children's Hospital of Eastern Ontario
Classification: Likely pathogenic for Cardiomyopathy. Last evaluated: 2023-03-24. Review status: criteria provided, single submitter. Criteria: ACMG Guidelines, 2015. Collection method: clinical testing. Allele origin: germline.

Laboratorio de Genetica e Diagnostico Molecular, Hospital Israelita Albert Einstein
Classification: Likely pathogenic for Dilated cardiomyopathy 1D. Last evaluated: 2022-12-22. Review status: criteria provided, single submitter. Criteria: ACMG Guidelines, 2015. Collection method: clinical testing. Allele origin: germline. Affected: yes.
Comment: ACMG classification criteria: PS3 supporting, PS4 moderated, PM2 moderated, PP1 supporting, BP4 supporting

GeneDx
Classification: Uncertain significance. Last evaluated: 2019-12-18. Review status: criteria provided, single submitter. Criteria: GeneDx Variant Classification Process June 2021. Collection method: clinical testing. Allele origin: germline. Affected: yes.
Comment: No data available from control populations to assess the frequency of this variant; however, this variant has not been detected at a significant frequency in presumably healthy individuals tested at GeneDx; Reported in ClinVar (ClinVar Variant ID# 217495; Landrum et al., 2016); In silico analysis, which includes protein predictors and evolutionary conservation, supports that this variant does not alter protein structure/function; This variant is associated with the following publications: (PMID: 33025817, 22857948, 12707239, 24093860)

Fulgent Genetics
Classification: Likely pathogenic for Hypertrophic cardiomyopathy 2; Dilated cardiomyopathy 1D; Cardiomyopathy, familial restrictive, 3. Last evaluated: 2018-10-31. Review status: criteria provided, single submitter. Criteria: ACMG Guidelines, 2015. Collection method: clinical testing. Allele origin: unknown.

Laboratory of Genetics and Molecular Cardiology, University of São Paulo
Classification: Likely pathogenic for Hypertrophic cardiomyopathy 2. Review status: criteria provided, single submitter. Criteria: LGCM Criteria August 2015. Collection method: clinical testing. Allele origin: germline. Inheritance: Autosomal dominant inheritance. Affected: yes. Observed: 1 variant allele. Study: Sarcomeric Human Cardiomyopathy Registry (ShaRe).

Literature cited by the submitters: PubMed 12707239 (cited by 5 submitters); PubMed 20038417 (cited by 5 submitters); PubMed 22857948 (cited by 5 submitters); PubMed 23396983 (cited by 5 submitters); PubMed 33025817 (cited by 5 submitters); PubMed 39605252 (cited by Ambry Genetics); PubMed 40310325 (cited by Ambry Genetics); PubMed 24093860 (cited by Women's Health and Genetics/Laboratory Corporation of America, LabCorp); PubMed 30297972 (cited by Women's Health and Genetics/Laboratory Corporation of America, LabCorp); PubMed 34930847 (cited by Women's Health and Genetics/Laboratory Corporation of America, LabCorp).